The following is an entry in ClinVar:

ClinVar aggregate classification (germline): Pathogenic (1 of 4 stars; one submission).

Conditions:
Bloom syndrome (BLM). Also called: Bloom-Torre-Machacek syndrome. Identifiers: Orphanet 125, MedGen C0005859, MONDO:0008876, OMIM 210900.

Submission:

Labcorp Genetics (formerly Invitae), Labcorp
Classification: Pathogenic for Bloom syndrome. Last evaluated: 2026-01-13. Review status: criteria provided, single submitter. Criteria: Invitae Variant Classification Sherloc (09022015). Collection method: clinical testing. Allele origin: germline.
Comment: This sequence change creates a premature translational stop signal (p.Asp722Argfs*20) in the BLM gene. It is expected to result in an absent or disrupted protein product. Loss-of-function variants in BLM are known to be pathogenic (PMID: 17407155). This variant is not present in population databases (gnomAD no frequency). This variant has not been reported in the literature in individuals affected with BLM-related conditions. ClinVar contains an entry for this variant (Variation ID: 1381822). For these reasons, this variant has been classified as Pathogenic.

Literature cited by the submitters: PubMed 17407155.

NM_000057.4(BLM):c.2160_2163dup (p.Asp722fs)

Gene: BLM (BLM RecQ like helicase; plus strand). Cytogenetic location: 15q26.1.
Variant type: Duplication.
Coding change: c.2160_2163dup on transcript NM_000057.4 (MANE Select); coding-DNA positions 2160 to 2163, 4 bases duplicated (CGTA; older notation c.2160_2163dupCGTA).
Protein change: p.Asp722fs; shifts the reading frame from aspartic acid 722.
Molecular consequence: frameshift variant.
Genome position (GRCh38, 1-based): chr15:90,765,381-90,765,384, CGTA duplicated. VCF-style (leftmost placement, unchanged base first): chr15-90765380-T-TCGTA. GRCh37 (hg19) VCF-style: chr15-91308610-T-TCGTA.
Other names: c.2160_2163dup, p.Asp722fs (NM_001287246.2, NM_001287247.2); c.1035_1038dup, p.Asp347fs (NM_001287248.2); short protein forms D722fs, D347fs.
Identifiers: ClinVar variation 1381822 (VCV001381822.6), dbSNP rs2151162486, ClinGen allele CA2573151403.
Genomic context (GRCh38, chr15:90,765,380, plus strand): 5'-AGCTCCCTGCCTGTGTTTCTCCTGGGGTCACTGTTGTCATTTCTCCCTTGAGATCACTTA[T>TCGTA]CGTAGATCAAGTCCAAAAGCTGACTTCCTTGGATGTAAGTTATAAAAATACTAATAAAAA-3'